The following is an entry in ClinVar:

NM_003322.6(TULP1):c.1522C>A (p.Arg508Ser)

Gene: TULP1 (TUB like protein 1; minus strand). Cytogenetic location: 6p21.31.
Variant type: single nucleotide variant.
Coding change: c.1522C>A on transcript NM_003322.6 (MANE Select); coding-DNA position 1522, C replaced by A.
Protein change: p.Arg508Ser; replaces arginine 508 with serine.
Molecular consequence: missense variant.
Genome position (GRCh38, 1-based): chr6:35,498,434, G>T on the plus strand (C>A on the coding strand, the complement: TULP1 is on the minus strand). VCF-style: chr6-35498434-G-T. GRCh37 (hg19) VCF-style: chr6-35466211-G-T.
Other names: c.1363C>A, p.Arg455Ser (NM_001289395.2); short protein forms R455S, R508S.
Identifiers: ClinVar variation 1352501 (VCV001352501.3), dbSNP rs751036771, ClinGen allele CA363778345.

ClinVar aggregate classification (germline): Uncertain significance (1 of 4 stars; one submission).

Submission:

Labcorp Genetics (formerly Invitae), Labcorp
Classification: Uncertain significance. Last evaluated: 2021-11-19. Review status: criteria provided, single submitter. Criteria: Invitae Variant Classification Sherloc (09022015). Collection method: clinical testing. Allele origin: germline.
Comment: This sequence change replaces arginine, which is basic and polar, with serine, which is neutral and polar, at codon 508 of the TULP1 protein (p.Arg508Ser). This variant is not present in population databases (gnomAD no frequency). This variant has not been reported in the literature in individuals affected with TULP1-related conditions. Algorithms developed to predict the effect of missense changes on protein structure and function are either unavailable or do not agree on the potential impact of this missense change (SIFT: "Not Available"; PolyPhen-2: "Probably Damaging"; Align-GVGD: "Not Available"). In summary, the available evidence is currently insufficient to determine the role of this variant in disease. Therefore, it has been classified as a Variant of Uncertain Significance.